The following is an entry in ClinVar:

ClinVar aggregate classification (germline): Uncertain significance (1 of 4 stars; one submission).

Allele frequency attached by ClinVar (database versions not stated): gnomAD exomes below 0.00001; gnomAD 0.00002 and 0.00003; TOPMed 0.00002.
gnomAD v4.1: 12 of 1,614,094 alleles (0.00074%); highest among the groups gnomAD compares: African/African-American, 0.0013%; no homozygotes.

Submission:

Labcorp Genetics (formerly Invitae), Labcorp
Classification: Uncertain significance. Last evaluated: 2022-04-12. Review status: criteria provided, single submitter. Criteria: Invitae Variant Classification Sherloc (09022015). Collection method: clinical testing. Allele origin: germline.
Comment: In summary, the available evidence is currently insufficient to determine the role of this variant in disease. Therefore, it has been classified as a Variant of Uncertain Significance. Algorithms developed to predict the effect of missense changes on protein structure and function are either unavailable or do not agree on the potential impact of this missense change (SIFT: "Deleterious"; PolyPhen-2: "Probably Damaging"; Align-GVGD: "Class C15"). This variant is present in population databases (no rsID available, gnomAD no frequency). This variant has not been reported in the literature in individuals affected with SZT2-related conditions. This sequence change replaces arginine, which is basic and polar, with cysteine, which is neutral and slightly polar, at codon 1665 of the SZT2 protein (p.Arg1665Cys).

NM_001365999.1(SZT2):c.5164C>T (p.Arg1722Cys)

Gene: SZT2 (SZT2 subunit of KICSTOR complex; plus strand). Cytogenetic location: 1p34.2.
Variant type: single nucleotide variant.
Coding change: c.5164C>T on transcript NM_001365999.1 (MANE Select); coding-DNA position 5164, C replaced by T.
Protein change: p.Arg1722Cys; replaces arginine 1722 with cysteine.
Molecular consequence: missense variant.
Genome position (GRCh38, 1-based): chr1:43,431,791, C>T. VCF-style: chr1-43431791-C-T. GRCh37 (hg19) VCF-style: chr1-43897462-C-T.
Other names: c.4993C>T, p.Arg1665Cys (NM_015284.4); short protein forms R1722C, R1665C.
Identifiers: ClinVar variation 1470650 (VCV001470650.8), dbSNP rs1287393849, ClinGen allele CA340023538.
Genomic context (GRCh38, chr1:43,431,791, plus strand): 5'-GAAGATGAGATGGTGGGGGCACTCCGAAGAGGGGGCATCCCACAGAGTCCTGCCCTGCAC[C>T]GCGCAGCTGCCCATATCCATAGTTCTCCTGGACGCTCCACCTGCCTTCGCCAAACTCTGC-3'
Protein context (NP_001352928.1, residues 1712-1732): GGIPQSPALH[Arg1722Cys]AAAHIHSSPG